The following is an entry in ClinVar:

ClinVar aggregate classification (germline): Uncertain significance (1 of 4 stars; one submission).

Conditions:
Mitochondrial complex V (ATP synthase) deficiency, nuclear type 2. Also called: Nuclear-Encoded ATPase Deficiency, TMEM70-Related; ENCEPHALOCARDIOMYOPATHY, MITOCHONDRIAL, NEONATAL, DUE TO ATP SYNTHASE DEFICIENCY; MITOCHONDRIAL COMPLEX V (ATP SYNTHASE) DEFICIENCY, TMEM70 TYPE. Identifiers: Orphanet 1194, MedGen C3279699, MONDO:0013546, OMIM 614052.

Submission:

Labcorp Genetics (formerly Invitae), Labcorp
Classification: Uncertain significance for Mitochondrial complex V (ATP synthase) deficiency, nuclear type 2. Last evaluated: 2019-07-04. Review status: criteria provided, single submitter. Criteria: Invitae Variant Classification Sherloc (09022015). Collection method: clinical testing. Allele origin: germline.
Comment: This sequence change replaces valine with isoleucine at codon 167 of the TMEM70 protein (p.Val167Ile). The valine residue is highly conserved and there is a small physicochemical difference between valine and isoleucine. This variant is not present in population databases (ExAC no frequency). This variant has not been reported in the literature in individuals with a TMEM70-related disease. Algorithms developed to predict the effect of missense changes on protein structure and function do not agree on the potential impact of this missense change (SIFT: "Tolerated"; PolyPhen-2: "Probably Damaging"; Align-GVGD: "Class C0"). In summary, this variant has uncertain impact on TMEM70 function. The available evidence is currently insufficient to determine its role in disease. Therefore, it has been classified as a Variant of Uncertain Significance.

NM_017866.6(TMEM70):c.499G>A (p.Val167Ile)

Gene: TMEM70 (transmembrane protein 70; plus strand). Cytogenetic location: 8q21.11.
Variant type: single nucleotide variant.
Coding change: c.499G>A on transcript NM_017866.6 (MANE Select); coding-DNA position 499, G replaced by A.
Protein change: p.Val167Ile; replaces valine 167 with isoleucine.
Molecular consequence: missense variant. On other transcripts: 3 prime UTR variant (1), non-coding transcript variant (1).
Genome position (GRCh38, 1-based): chr8:73,981,337, G>A. VCF-style: chr8-73981337-G-A. GRCh37 (hg19) VCF-style: chr8-74893572-G-A.
Other names: c.*189G>A (NM_001040613.3); short protein forms V167I.
Identifiers: ClinVar variation 471956 (VCV000471956.10), dbSNP rs1554599426, ClinGen allele CA371490123.
Genomic context (GRCh38, chr8:73,981,337, plus strand): 5'-ATCATGGGAAGCTTTACGGTGATCACCCCAGTGCTGCTTCACTTTATTACAAAAGGCTAT[G>A]TCATTCGATTGTACCATGAGGCCACAACAGACACTTATAAAGCCATTACCTACAATGCTA-3'
Protein context (NP_060336.3, residues 157-177): VLLHFITKGY[Val167Ile]IRLYHEATTD